The following is an entry in ClinVar:

NM_021830.5(TWNK):c.146A>T (p.Asp49Val)

Gene: TWNK (twinkle mtDNA helicase; plus strand). Cytogenetic location: 10q24.31.
Variant type: single nucleotide variant.
Coding change: c.146A>T on transcript NM_021830.5 (MANE Select); coding-DNA position 146, A replaced by T.
Protein change: p.Asp49Val; replaces aspartic acid 49 with valine.
Molecular consequence: missense variant. On other transcripts: non-coding transcript variant (4), intron variant (3).
Genome position (GRCh38, 1-based): chr10:100,988,356, A>T. VCF-style: chr10-100988356-A-T. GRCh37 (hg19) VCF-style: chr10-102748113-A-T.
Other names: c.146A>T, p.Asp49Val (NM_001163812.2); c.-120+743A>T (NM_001163814.2, NM_001163813.2); c.-58+743A>T (NM_001368275.1); short protein forms D49V.
Identifiers: ClinVar variation 3615345 (VCV003615345.1).
Genomic context (GRCh38, chr10:100,988,356, plus strand): 5'-GAAACTTGGCCCCAGGCCCTCCTCGCAGACGTTACAGGAAGGAGACTCTCCAAGCCTTGG[A>T]TATGCCAGTGTTGCCTGTAACTGCAACTGAAATCCGCCAGTATTTGCGGGGGCATGGGAT-3'
Protein context (NP_068602.2, residues 39-59): RYRKETLQAL[Asp49Val]MPVLPVTATE

ClinVar aggregate classification (germline): Uncertain significance (1 of 4 stars; one submission).

Submission:

Labcorp Genetics (formerly Invitae), Labcorp
Classification: Uncertain significance. Last evaluated: 2024-07-03. Review status: criteria provided, single submitter. Criteria: Invitae Variant Classification Sherloc (09022015). Collection method: clinical testing. Allele origin: germline.
Comment: This sequence change replaces aspartic acid, which is acidic and polar, with valine, which is neutral and non-polar, at codon 49 of the TWNK protein (p.Asp49Val). This variant is present in population databases (rs766975185, gnomAD 0.002%). This variant has not been reported in the literature in individuals affected with TWNK-related conditions. Advanced modeling of protein sequence and biophysical properties (such as structural, functional, and spatial information, amino acid conservation, physicochemical variation, residue mobility, and thermodynamic stability) has been performed at Invitae for this missense variant, however the output from this modeling did not meet the statistical confidence thresholds required to predict the impact of this variant on TWNK protein function. In summary, the available evidence is currently insufficient to determine the role of this variant in disease. Therefore, it has been classified as a Variant of Uncertain Significance.